The following is an entry in ClinVar:

ClinVar aggregate classification (germline): Pathogenic (1 of 4 stars; one submission).

Conditions:
Osteogenesis imperfecta type I (OI1). Also called: Classic Non-deforming Osteogenesis Imperfecta with Blue Sclerae; Lobstein's Disease; Osteogenesis imperfecta type 1; OI, TYPE I; OSTEOGENESIS IMPERFECTA TARDA; OSTEOGENESIS IMPERFECTA WITH BLUE SCLERAE. Identifiers: Orphanet 216796, Orphanet 666, MedGen C0023931, MONDO:0008146, OMIM 166200. Disease mechanism: loss of function.

Submission:

Labcorp Genetics (formerly Invitae), Labcorp
Classification: Pathogenic for Osteogenesis imperfecta type I. Last evaluated: 2018-05-30. Review status: criteria provided, single submitter. Criteria: Invitae Variant Classification Sherloc (09022015). Collection method: clinical testing. Allele origin: germline.
Comment: For these reasons, this variant has been classified as Pathogenic. Loss-of-function variants in COL1A1 are known to be pathogenic (PMID: 7942841, 9295084, 9443882). This variant has been observed in an individual affected with osteogenesis imperfecta type 1 (Invitae). This variant is not present in population databases (ExAC no frequency). This sequence change creates a premature translational stop signal (p.Gly281Trpfs*3) in the COL1A1 gene. It is expected to result in an absent or disrupted protein product.

Literature cited by the submitters: PubMed 7942841; PubMed 9295084; PubMed 9443882.

NM_000088.4(COL1A1):c.841_848del (p.Gly281fs)

Genes: COL1A1 (collagen type I alpha 1 chain; minus strand), LOC126862586 (CDK7 strongly-dependent group 2 enhancer GRCh37_chr17:48273702-48274901; plus strand). Cytogenetic location: 17q21.33.
Variant type: Deletion.
Coding change: c.841_848del on transcript NM_000088.4 (MANE Select); coding-DNA positions 841 to 848, 8 bases deleted (GGTCCTGC; older notation c.841_848delGGTCCTGC).
Protein change: p.Gly281fs; shifts the reading frame from glycine 281.
Molecular consequence: frameshift variant.
Genome position (GRCh38, 1-based): chr17:50,196,627-50,196,634, GCAGGACC deleted on the plus strand (GGTCCTGC on the coding strand, the reverse complement: COL1A1 is on the minus strand). VCF-style (leftmost placement, unchanged base first): chr17-50196626-AGCAGGACC-A. GRCh37 (hg19) VCF-style: chr17-48273987-AGCAGGACC-A.
Other names: short protein forms G281fs.
Identifiers: ClinVar variation 568004 (VCV000568004.9), dbSNP rs1567761950, ClinGen allele CA891843716.